The following is an entry in ClinVar:

ClinVar aggregate classification (germline): Uncertain significance (1 of 4 stars; one submission).

Conditions:
Gastrointestinal stromal tumor. Also called: Gastrointestinal stromal tumor, somatic; Gastrointestinal stroma tumor. Identifiers: Orphanet 44890, MedGen C0238198, MeSH D046152, MONDO:0011719, OMIM 606764, HP:0100723.

Submission:

Labcorp Genetics (formerly Invitae), Labcorp
Classification: Uncertain significance for Gastrointestinal stroma tumor. Last evaluated: 2018-06-20. Review status: criteria provided, single submitter. Criteria: Invitae Variant Classification Sherloc (09022015). Collection method: clinical testing. Allele origin: germline.
Comment: This variant results in a copy number gain of the genomic region encompassing the full coding sequence of the KIT gene. The boundaries of this event are unknown as they extend beyond the assayed region for this gene and therefore may encompass additional genes. As the precise location of this event is unknown, it may be in tandem or it may be located elsewhere in the genome. This variant has not been reported in the literature in individuals with KIT-related disease. In summary, the available evidence is currently insufficient to determine the role of this variant in disease. Therefore, it has been classified as a Variant of Uncertain Significance.

NC_000004.11:g.(?_55153587)_(55604733_?)dup

Genes: KIT (KIT proto-oncogene, receptor tyrosine kinase; plus strand), PDGFRA (platelet derived growth factor receptor alpha; plus strand). Cytogenetic location: 4q12.
Variant type: Duplication.
Identifiers: ClinVar variation 584303 (VCV000584303.1).